The following is an entry in ClinVar:

NC_012920.1(MT-TW):m.5553T>C

Gene: MT-TW (mitochondrially encoded tRNA tryptophan; plus strand).
Variant type: single nucleotide variant.
Genome position: chrM-5553-T-C.
Identifiers: ClinVar variation 235498 (VCV000235498.4), dbSNP rs878853053, ClinGen allele CA10581333.

ClinVar aggregate classification (germline): Benign/Likely benign. Review status: criteria provided, multiple submitters, no conflicts (2 of 4 stars). 2 submissions from 2 submitters: Benign (1); Likely benign (1). Last evaluated 2019-07-12.

Conditions:
MELAS syndrome (MELAS). Also called: Juvenile myopathy, encephalopathy, lactic acidosis, stroke. Identifiers: Orphanet 550, MedGen C0162671, MONDO:0010789, OMIM 540000.

Submissions (2):

Wong Mito Lab, Molecular and Human Genetics, Baylor College of Medicine
Classification: Benign for MELAS syndrome. Last evaluated: 2019-07-12. Review status: criteria provided, single submitter. Criteria: Modified ACMG Guidelines (Unpublished). Collection method: clinical testing. Allele origin: germline.
Comment: The NC_012920.1:m.5553T>C variant in MT-TW gene is interpreted to be a Benign variant based on the modified ACMG guidelines (unpublished). This variant meets the following evidence codes reported in the guidelines: BS1, BS2, BP4

Center for Pediatric Genomic Medicine, Children's Mercy Hospital and Clinics
Classification: Likely benign. Last evaluated: 2015-08-12. Review status: criteria provided, single submitter. Criteria: ACMG Guidelines, 2015. Collection method: clinical testing. Allele origin: germline.
ClinVar note: Converted during submission from Likely Benign to Likely benign.

Literature cited by the submitters: PubMed 31965079 (cited by Wong Mito Lab, Molecular and Human Genetics, Baylor College of Medicine).